The following is an entry in ClinVar:

NM_001145306.2(CDK6):c.945G>A (p.Pro315=)

Gene: CDK6 (cyclin dependent kinase 6; minus strand). Cytogenetic location: 7q21.2.
Variant type: single nucleotide variant.
Coding change: c.945G>A on transcript NM_001145306.2 (MANE Select); coding-DNA position 945, G replaced by A.
Protein change: p.Pro315=; no amino-acid change (proline 315 retained).
Molecular consequence: synonymous variant.
Genome position (GRCh38, 1-based): chr7:92,615,176, C>T on the plus strand (G>A on the coding strand, the complement: CDK6 is on the minus strand). VCF-style: chr7-92615176-C-T. GRCh37 (hg19) VCF-style: chr7-92244490-C-T.
Other names: c.945G>A, p.Pro315= (NM_001259.8).
Identifiers: ClinVar variation 712661 (VCV000712661.28), dbSNP rs143588734, ClinGen allele CA4342289.

ClinVar aggregate classification (germline): Likely benign. Review status: criteria provided, multiple submitters, no conflicts (2 of 4 stars). 3 submissions from 3 submitters: Likely benign (3). Last evaluated 2022-10-01.

Allele frequency attached by ClinVar (database versions not stated): gnomAD exomes 0.00002 and 0.00006; ExAC 0.00006; gnomAD 0.00018 and 0.00020; TOPMed 0.00021; ESP Exome Variant Server 0.00031.
gnomAD v4.1: 56 of 1,613,802 alleles (0.0035%); highest among the groups gnomAD compares: African/African-American, 0.049%; no homozygotes.

Submissions (3):

CeGaT Center for Human Genetics Tuebingen
Classification: Likely benign. Last evaluated: 2022-10-01. Review status: criteria provided, single submitter. Criteria: CeGaT Center For Human Genetics Tuebingen Variant Classification Criteria Version 2. Collection method: clinical testing. Allele origin: germline. Affected: yes. Observed: 1 variant allele.
Comment: CDK6: BP4, BP7

Labcorp Genetics (formerly Invitae), Labcorp
Classification: Likely benign. Last evaluated: 2018-12-20. Review status: criteria provided, single submitter. Criteria: Invitae Variant Classification Sherloc (09022015). Collection method: clinical testing. Allele origin: germline.

Breakthrough Genomics
Classification: Likely benign. Review status: criteria provided, single submitter. Criteria: ACMG Guidelines, 2015. Collection method: not provided. Allele origin: germline. Inheritance: Autosomal recessive inheritance. Affected: yes.